The following is an entry in ClinVar:

ClinVar aggregate classification (germline): Likely benign (1 of 4 stars; one submission).

Conditions:
Tumor predisposition syndrome 2 (TPDS2). Also called: MBD4-ASSOCIATED NEOPLASIA SYNDROME; MBD4-Related Tumor Predisposition Syndrome; MBD4-associated neoplasia syndrome (MANS). Identifiers: Orphanet 661526, MedGen C5774186, MONDO:0859267, OMIM 619975.

Submission:

Myriad Genetics, Inc.
Classification: Likely benign for Tumor predisposition syndrome 2. Last evaluated: 2026-06-08. Review status: criteria provided, single submitter. Criteria: Myriad Autosomal Dominant, Autosomal Recessive and X-Linked Classification Criteria (2023). Collection method: clinical testing. Allele origin: unknown.
Comment: This variant is considered likely benign. This variant is intronic and is not expected to impact mRNA splicing.

NM_001276270.2(MBD4):c.335+9dup

Gene: MBD4 (methyl-CpG binding domain 4, DNA glycosylase; minus strand). Cytogenetic location: 3q21.3.
Variant type: Duplication.
Coding change: c.335+9dup on transcript NM_001276270.2 (MANE Select); 9 bases into the intron after coding-DNA position 335, one base duplicated (A; older notation c.335+9dupA).
Molecular consequence: intron variant.
Genome position (GRCh38, 1-based): chr3:129,437,711, T duplicated on the plus strand (A on the coding strand, the reverse complement: MBD4 is on the minus strand). VCF-style (leftmost placement, unchanged base first): chr3-129437710-A-AT. GRCh37 (hg19) VCF-style: chr3-129156553-A-AT.
Other names: c.247+97dup (NM_001276273.2); c.335+9dup (NM_001276272.2, NM_003925.3, NM_001276271.2).
Identifiers: ClinVar variation 4876077 (VCV004876077.1).